The following is an entry in ClinVar:

ClinVar aggregate classification (germline): Conflicting classifications of pathogenicity. Review status: criteria provided, conflicting classifications (1 of 4 stars). 3 submissions from 3 submitters: Uncertain significance (1); Likely benign (2). Last evaluated 2024-11-04.

Conditions:
Focal segmental glomerulosclerosis 6 (FSGS6). Identifiers: Orphanet 656, MedGen C3279905, MONDO:0013589, OMIM 614131.

Allele frequency attached by ClinVar (database versions not stated): 1000 Genomes Project 30x 0.00016; 1000 Genomes Project 0.00020; TOPMed 0.00028; gnomAD 0.00034 and 0.00036; gnomAD exomes 0.00035; ESP Exome Variant Server 0.00039; ExAC 0.00044.
gnomAD v4.1: 710 of 1,613,956 alleles (0.044%); highest among the groups gnomAD compares: Non-Finnish European, 0.055%; 1 homozygote.

Submissions (3):

Blueprint Genetics
Classification: Likely benign. Last evaluated: 2024-11-04. Review status: criteria provided, single submitter. Criteria: ACMG Guidelines, 2015. Collection method: clinical testing. Allele origin: germline.

Fulgent Genetics
Classification: Likely benign for Focal segmental glomerulosclerosis 6. Last evaluated: 2024-02-27. Review status: criteria provided, single submitter. Criteria: ACMG Guidelines, 2015. Collection method: clinical testing. Allele origin: germline.

Labcorp Genetics (formerly Invitae), Labcorp
Classification: Uncertain significance. Last evaluated: 2022-05-05. Review status: criteria provided, single submitter. Criteria: Invitae Variant Classification Sherloc (09022015). Collection method: clinical testing. Allele origin: germline.
Comment: This variant is present in population databases (rs202237883, gnomAD 0.06%), including at least one homozygous and/or hemizygous individual. In summary, the available evidence is currently insufficient to determine the role of this variant in disease. Therefore, it has been classified as a Variant of Uncertain Significance. Algorithms developed to predict the effect of missense changes on protein structure and function (SIFT, PolyPhen-2, Align-GVGD) all suggest that this variant is likely to be disruptive. ClinVar contains an entry for this variant (Variation ID: 1006073). This variant has not been reported in the literature in individuals affected with MYO1E-related conditions. This sequence change replaces glycine, which is neutral and non-polar, with aspartic acid, which is acidic and polar, at codon 893 of the MYO1E protein (p.Gly893Asp).

NM_004998.4(MYO1E):c.2678G>A (p.Gly893Asp)

Gene: MYO1E (myosin IE; minus strand). Cytogenetic location: 15q22.2.
Variant type: single nucleotide variant.
Coding change: c.2678G>A on transcript NM_004998.4 (MANE Select); coding-DNA position 2678, G replaced by A.
Protein change: p.Gly893Asp; replaces glycine 893 with aspartic acid.
Molecular consequence: missense variant.
Genome position (GRCh38, 1-based): chr15:59,161,180, C>T on the plus strand (G>A on the coding strand, the complement: MYO1E is on the minus strand). VCF-style: chr15-59161180-C-T. GRCh37 (hg19) VCF-style: chr15-59453379-C-T.
Other names: short protein forms G893D.
Identifiers: ClinVar variation 1006073 (VCV001006073.10), dbSNP rs202237883, ClinGen allele CA7589144.
Genomic context (GRCh38, chr15:59,161,180, plus strand): 5'-TTACTGGGCTTGAGGACAGCCAGGTCCCCAAACCCTTGGTGGAACTGCACTTGCCGGGAG[C>T]CCCCTGCACTCCAGGGGCCCCAGTTTTCCTTTTTCAACTTCAGTTCAAGCCTGCAAAAAG-3'
Protein context (NP_004989.2, residues 883-903): KENWGPWSAG[Gly893Asp]SRQVQFHQGF